The following is an entry in ClinVar:

NM_000202.8(IDS):c.266T>G (p.Val89Gly)

Gene: IDS (iduronate 2-sulfatase; minus strand). Cytogenetic location: Xq28.
Variant type: single nucleotide variant.
Coding change: c.266T>G on transcript NM_000202.8 (MANE Select); coding-DNA position 266, T replaced by G.
Protein change: p.Val89Gly; replaces valine 89 with glycine.
Molecular consequence: missense variant. On other transcripts: non-coding transcript variant (1), intron variant (1).
Genome position (GRCh38, 1-based): chrX:149,503,464, A>C on the plus strand (T>G on the coding strand, the complement: IDS is on the minus strand). VCF-style: chrX-149503464-A-C. GRCh37 (hg19) VCF-style: chrX-148584994-A-C.
Other names: c.266T>G, p.Val89Gly (NM_006123.5); c.15-19T>G (NM_001166550.4); short protein forms V89G.
Identifiers: ClinVar variation 1794541 (VCV001794541.2), dbSNP rs2520896995, ClinGen allele CA414526825.

ClinVar aggregate classification (germline): Uncertain significance (1 of 4 stars; one submission).

Conditions:
Inborn genetic diseases. Identifiers: MedGen C0950123, MeSH D030342.

Submission:

Ambry Genetics
Classification: Uncertain significance for Inborn genetic diseases. Last evaluated: 2021-09-20. Review status: criteria provided, single submitter. Criteria: Ambry Variant Classification Scheme 2023. Collection method: clinical testing. Allele origin: germline.
Comment: The p.V89G variant (also known as c.266T>G), located in coding exon 3 of the IDS gene, results from a T to G substitution at nucleotide position 266. The valine at codon 89 is replaced by glycine, an amino acid with dissimilar properties. This amino acid position is conserved. In addition, this alteration is predicted to be deleterious by in silico analysis. Since supporting evidence is limited at this time, the clinical significance of this alteration remains unclear.